The following is an entry in ClinVar:

NM_144997.7(FLCN):c.1365G>C (p.Glu455Asp)

Gene: FLCN (folliculin; minus strand). Cytogenetic location: 17p11.2.
Variant type: single nucleotide variant.
Coding change: c.1365G>C on transcript NM_144997.7 (MANE Select); coding-DNA position 1365, G replaced by C.
Protein change: p.Glu455Asp; replaces glutamic acid 455 with aspartic acid.
Molecular consequence: missense variant.
Genome position (GRCh38, 1-based): chr17:17,215,252, C>G on the plus strand (G>C on the coding strand, the complement: FLCN is on the minus strand). VCF-style: chr17-17215252-C-G. GRCh37 (hg19) VCF-style: chr17-17118566-C-G.
Other names: c.1419G>C, p.Glu473Asp (NM_001353229.2); c.1365G>C, p.Glu455Asp (NM_001353230.2, NM_001353231.2); short protein forms E455D, E473D.
Identifiers: ClinVar variation 1379842 (VCV001379842.8), dbSNP rs1050188504, ClinGen allele CA398531336.

ClinVar aggregate classification (germline): Uncertain significance (1 of 4 stars; one submission).

Conditions:
Birt-Hogg-Dube syndrome. Also called: Birt Hogg Dubé syndrome. Identifiers: Orphanet 122, MedGen C0346010, MONDO:0800444.

Submission:

Labcorp Genetics (formerly Invitae), Labcorp
Classification: Uncertain significance for Birt-Hogg-Dube syndrome. Last evaluated: 2021-01-26. Review status: criteria provided, single submitter. Criteria: Invitae Variant Classification Sherloc (09022015). Collection method: clinical testing. Allele origin: germline.
Comment: This sequence change replaces glutamic acid with aspartic acid at codon 455 of the FLCN protein (p.Glu455Asp). The glutamic acid residue is weakly conserved and there is a small physicochemical difference between glutamic acid and aspartic acid. In summary, the available evidence is currently insufficient to determine the role of this variant in disease. Therefore, it has been classified as a Variant of Uncertain Significance. Algorithms developed to predict the effect of missense changes on protein structure and function output the following: SIFT: "Tolerated"; PolyPhen-2: "Benign"; Align-GVGD: "Class C0". The aspartic acid amino acid residue is found in multiple mammalian species, suggesting that this missense change does not adversely affect protein function. These predictions have not been confirmed by published functional studies and their clinical significance is uncertain. This variant has not been reported in the literature in individuals with FLCN-related conditions. This variant is not present in population databases (ExAC no frequency).